The following is an entry in ClinVar:

NM_001365536.1(SCN9A):c.294C>A (p.Phe98Leu)

Gene: SCN9A (sodium voltage-gated channel alpha subunit 9; minus strand). Cytogenetic location: 2q24.3.
Variant type: single nucleotide variant.
Coding change: c.294C>A on transcript NM_001365536.1 (MANE Select); coding-DNA position 294, C replaced by A.
Protein change: p.Phe98Leu; replaces phenylalanine 98 with leucine.
Molecular consequence: missense variant.
Genome position (GRCh38, 1-based): chr2:166,307,039, G>T on the plus strand (C>A on the coding strand, the complement: SCN9A is on the minus strand). VCF-style: chr2-166307039-G-T. GRCh37 (hg19) VCF-style: chr2-167163549-G-T.
Other names: c.294C>A, p.Phe98Leu (NM_002977.4); short protein forms F98L.
Identifiers: ClinVar variation 245738 (VCV000245738.19), dbSNP rs199824489, ClinGen allele CA1944831.
Genomic context (GRCh38, chr2:166,307,039, plus strand): 5'-TATTCTTCTTAGAGGACTGAAAGGAGAAAGCATATATAAAGCAGGTGTGGCATTGAAACG[G>T]AAGATTGTTTTCCCTTTGTTCAATACTATGAAAGTCTGCAGGAGGAAAAAGAAAGGATGA-3'
Protein context (NP_001352465.1, residues 88-108): FIVLNKGKTI[Phe98Leu]RFNATPALYM

ClinVar aggregate classification (germline): Uncertain significance. Review status: criteria provided, multiple submitters, no conflicts (2 of 4 stars). 7 submissions from 5 submitters: Uncertain significance (7). Last evaluated 2025-09-08.

Conditions:
Inborn genetic diseases. Identifiers: MedGen C0950123, MeSH D030342.
Primary erythromelalgia. Also called: primary erythermalgia; SCN9A Erythromelalgia (SCN9A-EM). Identifiers: Orphanet 306577, Orphanet 90026, MedGen C0014805, MONDO:0007571, OMIM 133020.
Channelopathy-associated congenital insensitivity to pain, autosomal recessive. Also called: Insensitivity to pain, channelopathy-associated; ASYMBOLIA FOR PAIN; CONGENITAL ANALGESIA, AUTOSOMAL RECESSIVE. Identifiers: Orphanet 88642, Orphanet 970, MedGen C1855739, MONDO:0009459, OMIM 243000.
Generalized epilepsy with febrile seizures plus, type 7 (GEFSP7). Also called: GEFS+, TYPE 7. Identifiers: Orphanet 36387, MedGen C2751778, MONDO:0013470, OMIM 613863.
Neuropathy, hereditary sensory and autonomic, type 2A (HSAN2A). Also called: MORVAN DISEASE; NEUROPATHY, CONGENITAL SENSORY; NEUROPATHY, HEREDITARY SENSORY RADICULAR, AUTOSOMAL RECESSIVE; NEUROPATHY, HEREDITARY SENSORY, TYPE IIA; NEUROPATHY, PROGRESSIVE SENSORY, OF CHILDREN; ACROOSTEOLYSIS, GIACCAI TYPE. Identifiers: Orphanet 970, MedGen C2752089, MONDO:0024309, OMIM 201300.
Paroxysmal extreme pain disorder (PEXPD). Also called: PAIN, SUBMANDIBULAR, OCULAR, AND RECTAL, WITH FLUSHING; RECTAL PAIN, FAMILIAL; SCN9A Paroxysmal Extreme Pain Disorder (SCN9A-PEPD). Identifiers: Orphanet 46348, MedGen C1833661, MONDO:0008179, OMIM 167400.

Allele frequency attached by ClinVar (database versions not stated): ExAC 0.00001; gnomAD 0.00002; gnomAD exomes 0.00002 and 0.00005; TOPMed 0.00003.
gnomAD v4.1: 68 of 1,611,232 alleles (0.0042%); highest among the groups gnomAD compares: Non-Finnish European, 0.0056%; no homozygotes.

Submissions (7):

Labcorp Genetics (formerly Invitae), Labcorp
Classification: Uncertain significance for Neuropathy, hereditary sensory and autonomic, type 2A; Generalized epilepsy with febrile seizures plus, type 7. Last evaluated: 2025-09-08. Review status: criteria provided, single submitter. Criteria: Invitae Variant Classification Sherloc (09022015). Collection method: clinical testing. Allele origin: germline.
Comment: This sequence change replaces phenylalanine, which is neutral and non-polar, with leucine, which is neutral and non-polar, at codon 98 of the SCN9A protein (p.Phe98Leu). This variant is present in population databases (rs199824489, gnomAD 0.004%). This variant has not been reported in the literature in individuals affected with SCN9A-related conditions. ClinVar contains an entry for this variant (Variation ID: 245738). Invitae Evidence Modeling of protein sequence and biophysical properties (such as structural, functional, and spatial information, amino acid conservation, physicochemical variation, residue mobility, and thermodynamic stability) has been performed for this missense variant. However, the output from this modeling did not meet the statistical confidence thresholds required to predict the impact of this variant on SCN9A protein function. In summary, the available evidence is currently insufficient to determine the role of this variant in disease. Therefore, it has been classified as a Variant of Uncertain Significance.

Blueprint Genetics
Classification: Uncertain significance. Last evaluated: 2023-07-19. Review status: criteria provided, single submitter. Criteria: ACMG Guidelines, 2015. Collection method: clinical testing. Allele origin: germline.

Ambry Genetics
Classification: Uncertain significance for Inborn genetic diseases. Last evaluated: 2020-09-29. Review status: criteria provided, single submitter. Criteria: Ambry Variant Classification Scheme 2023. Collection method: clinical testing. Allele origin: germline.
Comment: The p.F98L variant (also known as c.294C>A), located in coding exon 2 of the SCN9A gene, results from a C to A substitution at nucleotide position 294. The phenylalanine at codon 98 is replaced by leucine, an amino acid with highly similar properties. This amino acid position is highly conserved in available vertebrate species. In addition, this alteration is predicted to be deleterious by in silico analysis. Since supporting evidence is limited at this time, the clinical significance of this alteration remains unclear.

Illumina Laboratory Services, Illumina
Classification: Uncertain significance for Primary erythromelalgia. Last evaluated: 2018-01-12. Review status: criteria provided, single submitter. Criteria: ICSL Variant Classification Criteria 13 December 2019. Collection method: clinical testing. Allele origin: germline.

Illumina Laboratory Services, Illumina
Classification: Uncertain significance for Paroxysmal extreme pain disorder. Last evaluated: 2018-01-12. Review status: criteria provided, single submitter. Criteria: ICSL Variant Classification Criteria 13 December 2019. Collection method: clinical testing. Allele origin: germline.

Illumina Laboratory Services, Illumina
Classification: Uncertain significance for Channelopathy-associated congenital insensitivity to pain, autosomal recessive. Last evaluated: 2018-01-12. Review status: criteria provided, single submitter. Criteria: ICSL Variant Classification Criteria 13 December 2019. Collection method: clinical testing. Allele origin: germline.

GeneDx
Classification: Uncertain significance. Last evaluated: 2015-04-23. Review status: criteria provided, single submitter. Criteria: GeneDx Variant Classification (06012015). Collection method: clinical testing. Allele origin: germline. Affected: yes.
Comment: The F98L variant has not been published as pathogenic, nor has it been reported as a benign polymorphism to our knowledge. The F98L variant was not observed in approximately 5,900 individuals of European and African American ancestry in the NHLBI Exome Sequencing Project, indicating it is not a common benign variant in these populations. The F98L variant is a conservative amino acid substitution, which is not likely to impact secondary protein structure as these residues share similar properties. This substitution occurs at a position that is conserved across species. In silico analysis is inconsistent in its predictions as to whether or not the variant is damaging to the protein structure/function. No missense variants have been reported in the Human Gene Mutation Database in nearby residues (Stenson et al., 2014).